The following is an entry in ClinVar:

NM_000718.4(CACNA1B):c.5560G>A (p.Val1854Ile)

Gene: CACNA1B (calcium voltage-gated channel subunit alpha1 B; plus strand). Cytogenetic location: 9q34.3.
Variant type: single nucleotide variant.
Coding change: c.5560G>A on transcript NM_000718.4 (MANE Select); coding-DNA position 5560, G replaced by A.
Protein change: p.Val1854Ile; replaces valine 1854 with isoleucine.
Molecular consequence: missense variant.
Genome position (GRCh38, 1-based): chr9:138,114,401, G>A. VCF-style: chr9-138114401-G-A. GRCh37 (hg19) VCF-style: chr9-141008853-G-A.
Other names: c.5560G>A, p.Val1854Ile (NM_001243812.2); c.5560G>A (NM_000718.3); short protein forms V1854I.
Identifiers: ClinVar variation 1528301 (VCV001528301.13), dbSNP rs148799345, ClinGen allele CA5377414.
Genomic context (GRCh38, chr9:138,114,401, plus strand): 5'-CCCTTCTCCGAATCTCAACTCCTGTGTTCTTTTCCAGCTGATGAGATGACAGTGGGGAAG[G>A]TTTATGCAGCTCTGATGATATTCGACTTCTACAAGCAGAACAAAACCACCAGAGACCAGA-3'
Protein context (NP_000709.1, residues 1844-1864): HKPDEMTVGK[Val1854Ile]YAALMIFDFY

ClinVar aggregate classification (germline): Conflicting classifications of pathogenicity. Review status: criteria provided, conflicting classifications (1 of 4 stars). 5 submissions from 5 submitters: Uncertain significance (2); Likely benign (2). 1 of the submissions does not count toward it. Last evaluated 2025-12-13.

Conditions:
CACNA1B-related disorder. Also called: CACNA1B-related condition.
Neurodevelopmental disorder with seizures and nonepileptic hyperkinetic movements. Identifiers: MedGen C5193128, MONDO:0032784, OMIM 618497.

Allele frequency attached by ClinVar (database versions not stated): TOPMed 0.00129; 1000 Genomes Project 30x 0.00031; ESP Exome Variant Server 0.00155.
gnomAD v4.1: 301 of 1,585,358 alleles (0.019%); highest among the groups gnomAD compares: African/African-American, 0.37%; 1 homozygote.

Submissions (5):

Labcorp Genetics (formerly Invitae), Labcorp
Classification: Likely benign. Last evaluated: 2025-12-13. Review status: criteria provided, single submitter. Criteria: Invitae Variant Classification Sherloc (09022015). Collection method: clinical testing. Allele origin: germline.

Ambry Genetics
Classification: Uncertain significance. Last evaluated: 2025-08-29. Review status: criteria provided, single submitter. Criteria: Ambry Variant Classification Scheme 2023. Collection method: clinical testing. Allele origin: germline.

Revvity Omics, Revvity
Classification: Uncertain significance for Neurodevelopmental disorder with seizures and nonepileptic hyperkinetic movements. Last evaluated: 2023-11-08. Review status: criteria provided, single submitter. Criteria: ACMG Guidelines, 2015. Collection method: clinical testing. Allele origin: germline.

Breakthrough Genomics
Classification: Likely benign. Review status: criteria provided, single submitter. Criteria: ACMG Guidelines, 2015. Collection method: not provided. Allele origin: germline. Inheritance: Autosomal recessive inheritance. Affected: yes.

PreventionGenetics, part of Exact Sciences
Classification: Likely benign for CACNA1B-related condition. Last evaluated: 2022-06-13. Review status: no assertion criteria provided. Collection method: clinical testing. Allele origin: germline. Not counted in ClinVar's aggregate classification.
Comment: This variant is classified as likely benign based on ACMG/AMP sequence variant interpretation guidelines (Richards et al. 2015 PMID: 25741868, with internal and published modifications).